The following is an entry in ClinVar:

NM_005956.4(MTHFD1):c.1931A>G (p.His644Arg)

Gene: MTHFD1 (methylenetetrahydrofolate dehydrogenase, cyclohydrolase and formyltetrahydrofolate synthetase 1; plus strand). Cytogenetic location: 14q23.3.
Variant type: single nucleotide variant.
Coding change: c.1931A>G on transcript NM_005956.4 (MANE Select); coding-DNA position 1931, A replaced by G.
Protein change: p.His644Arg; replaces histidine 644 with arginine.
Molecular consequence: missense variant.
Genome position (GRCh38, 1-based): chr14:64,442,100, A>G. VCF-style: chr14-64442100-A-G. GRCh37 (hg19) VCF-style: chr14-64908818-A-G.
Other names: c.1931A>G, p.His644Arg (NM_001364837.1); c.1931A>G (NM_005956.3); short protein forms H644R.
Identifiers: ClinVar variation 2175129 (VCV002175129.4), dbSNP rs762835554, ClinGen allele CA389998486.

ClinVar aggregate classification (germline): Uncertain significance. Review status: criteria provided, multiple submitters, no conflicts (2 of 4 stars). 2 submissions from 2 submitters: Uncertain significance (2). Last evaluated 2023-01-10.

Conditions:
Inborn genetic diseases. Identifiers: MedGen C0950123, MeSH D030342.

Allele frequency attached by ClinVar (database versions not stated): TOPMed below 0.00001; gnomAD 0.00001.
gnomAD v4.1: 10 of 1,614,060 alleles (0.00062%); highest among the groups gnomAD compares: Admixed American, 0.0017%; no homozygotes.

Submissions (2):

Ambry Genetics
Classification: Uncertain significance for Inborn genetic diseases. Last evaluated: 2023-01-10. Review status: criteria provided, single submitter. Criteria: Ambry Variant Classification Scheme 2023. Collection method: clinical testing. Allele origin: germline.

Labcorp Genetics (formerly Invitae), Labcorp
Classification: Uncertain significance. Last evaluated: 2022-03-12. Review status: criteria provided, single submitter. Criteria: Invitae Variant Classification Sherloc (09022015). Collection method: clinical testing. Allele origin: germline.
Comment: In summary, the available evidence is currently insufficient to determine the role of this variant in disease. Therefore, it has been classified as a Variant of Uncertain Significance. Algorithms developed to predict the effect of missense changes on protein structure and function are either unavailable or do not agree on the potential impact of this missense change (SIFT: "Tolerated"; PolyPhen-2: "Possibly Damaging"; Align-GVGD: "Class C0"). This variant has not been reported in the literature in individuals affected with MTHFD1-related conditions. This variant is present in population databases (no rsID available, gnomAD 0.0009%). This sequence change replaces histidine, which is basic and polar, with arginine, which is basic and polar, at codon 644 of the MTHFD1 protein (p.His644Arg).